The following is an entry in ClinVar:

ClinVar aggregate classification (germline): Uncertain significance (1 of 4 stars; one submission).

Submission:

Labcorp Genetics (formerly Invitae), Labcorp
Classification: Uncertain significance. Last evaluated: 2023-08-27. Review status: criteria provided, single submitter. Criteria: Invitae Variant Classification Sherloc (09022015). Collection method: clinical testing. Allele origin: germline.
Comment: This sequence change creates a premature translational stop signal (p.Thr128Leufs*11) in the CYP7A1 gene. It is expected to result in an absent or disrupted protein product. However, the current clinical and genetic evidence is not sufficient to establish whether loss-of-function variants in CYP7A1 cause disease. This variant is not present in population databases (gnomAD no frequency). This variant has not been reported in the literature in individuals affected with CYP7A1-related conditions. In summary, the available evidence is currently insufficient to determine the role of this variant in disease. Therefore, it has been classified as a Variant of Uncertain Significance.

NM_000780.4(CYP7A1):c.382del (p.Thr128fs)

Gene: CYP7A1 (cytochrome P450 family 7 subfamily A member 1; minus strand). Cytogenetic location: 8q12.1.
Variant type: Deletion.
Coding change: c.382del on transcript NM_000780.4 (MANE Select); coding-DNA position 382, one base deleted (A; older notation c.382delA).
Protein change: p.Thr128fs; shifts the reading frame from threonine 128.
Molecular consequence: frameshift variant.
Genome position (GRCh38, 1-based): chr8:58,497,130, T deleted on the plus strand (A on the coding strand, the reverse complement: CYP7A1 is on the minus strand). VCF-style (leftmost placement, unchanged base first): chr8-58497129-GT-G. GRCh37 (hg19) VCF-style: chr8-59409688-GT-G.
Other names: short protein forms T128fs.
Identifiers: ClinVar variation 2755563 (VCV002755563.3), dbSNP rs2487040227, ClinGen allele CA2697549929.